The following is an entry in ClinVar:

ClinVar aggregate classification (germline): Pathogenic/Likely pathogenic. Review status: criteria provided, multiple submitters, no conflicts (2 of 4 stars). 3 submissions from 3 submitters: Pathogenic (1); Likely pathogenic (1). 1 of the submissions does not count toward it. Last evaluated 2026-08-06.

Conditions:
GM3 synthase deficiency (SPDRS). Also called: SALT AND PEPPER DEVELOPMENTAL REGRESSION SYNDROME; AMISH INFANTILE EPILEPSY SYNDROME; SALT AND PEPPER MENTAL RETARDATION SYNDROME. Identifiers: Orphanet 171714, Orphanet 370933, MedGen C1836824, MONDO:0018274, OMIM 609056.

Allele frequency attached by ClinVar (database versions not stated): gnomAD 0.00001; ExAC 0.00001; gnomAD exomes 0.00001; TOPMed 0.00001.
gnomAD v4.1: 15 of 1,614,034 alleles (0.00093%); highest among the groups gnomAD compares: Admixed American, 0.0017%; no homozygotes.

Submissions (3):

OLLIN Analises Genomicas, OLLIN
Classification: Likely pathogenic for GM3 synthase deficiency. Last evaluated: 2026-08-06. Review status: criteria provided, single submitter. Criteria: ACMG Guidelines 2015 PMID 25741868. Collection method: clinical testing. Allele origin: germline. Inheritance: Autosomal recessive inheritance.
Comment: This missense variant, located in exon 4 (of 7), has been reported in ClinVar (accession VCV000254246.9), in gnomAD with an allele frequency of 0.00093%, and in the scientific literature, segregating with the phenotype and in compound heterozygosity, in individuals with ST3GAL5 related disorders (PMID: 27232954). In silico analysis predicts that this variant has a deleterious effect. According to the currently available evidence, this variant has been classified as likely pathogenic (PM2_P, PM3_S, PP1, PP3).

Labcorp Genetics (formerly Invitae), Labcorp
Classification: Pathogenic for GM3 synthase deficiency. Last evaluated: 2026-01-11. Review status: criteria provided, single submitter. Criteria: Invitae Variant Classification Sherloc (09022015). Collection method: clinical testing. Allele origin: germline.
Comment: This sequence change replaces glycine, which is neutral and non-polar, with arginine, which is basic and polar, at codon 201 of the ST3GAL5 protein (p.Gly201Arg). This variant is present in population databases (rs771732955, gnomAD 0.003%). This missense change has been observed in individual(s) with reduced gangliosides in serum but atypical clinical features for GM3 synthase deficiency (PMID: 27232954). In at least one individual the data is consistent with being in trans (on the opposite chromosome) from a pathogenic variant. It has also been observed to segregate with disease in related individuals. ClinVar contains an entry for this variant (Variation ID: 254246). Invitae Evidence Modeling of protein sequence and biophysical properties (such as structural, functional, and spatial information, amino acid conservation, physicochemical variation, residue mobility, and thermodynamic stability) has been performed for this missense variant. However, the output from this modeling did not meet the statistical confidence thresholds required to predict the impact of this variant on ST3GAL5 protein function. For these reasons, this variant has been classified as Pathogenic.

OMIM
Classification: Pathogenic for SALT AND PEPPER DEVELOPMENTAL REGRESSION SYNDROME. Last evaluated: 2016-09-16. Review status: no assertion criteria provided. Collection method: literature only. Allele origin: germline. Not counted in ClinVar's aggregate classification.

Literature cited by the submitters: PubMed 27232954 (cited by 3 submitters).

NM_003896.4(ST3GAL5):c.601G>A (p.Gly201Arg)

Gene: ST3GAL5 (ST3 beta-galactoside alpha-2,3-sialyltransferase 5; minus strand). Cytogenetic location: 2p11.2.
Variant type: single nucleotide variant.
Coding change: c.601G>A on transcript NM_003896.4 (MANE Select); coding-DNA position 601, G replaced by A.
Protein change: p.Gly201Arg; replaces glycine 201 with arginine.
Molecular consequence: missense variant. On other transcripts: 5 prime UTR variant (1).
Genome position (GRCh38, 1-based): chr2:85,847,922, C>T on the plus strand (G>A on the coding strand, the complement: ST3GAL5 is on the minus strand). VCF-style: chr2-85847922-C-T. GRCh37 (hg19) VCF-style: chr2-86075045-C-T.
Other names: c.532G>A, p.Gly178Arg (NM_001042437.2); c.217G>A, p.Gly73Arg (NM_001354223.2, NM_001354224.2, NM_001354226.2 and 3 more transcripts); c.517G>A, p.Gly173Arg (NM_001354227.2, NM_001354229.2, NM_001354238.1); c.-304G>A (NM_001354247.1); c.601G>A, p.Gly201Arg (NM_001363847.1); short protein forms G201R, G178R, G173R, G73R.
Identifiers: ClinVar variation 254246 (VCV000254246.10), dbSNP rs771732955, ClinGen allele CA1745015.